The following is an entry in ClinVar:

ClinVar aggregate classification (germline): Uncertain significance. Review status: criteria provided, multiple submitters, no conflicts (2 of 4 stars). 5 submissions from 5 submitters: Uncertain significance (5). Last evaluated 2026-07-15.

Conditions:
PLEC-related disorder. Also called: PLEC-related condition; PLEC-related disorders.
Autosomal recessive limb-girdle muscular dystrophy type 2Q (LGMDR17). Also called: MUSCULAR DYSTROPHY, LIMB-GIRDLE, AUTOSOMAL RECESSIVE 17. Identifiers: Orphanet 254361, MedGen C3150989, MONDO:0013390, OMIM 613723.
Epidermolysis bullosa simplex, Ogna type (EBS5A). Also called: Pidermolysis bullosa simplex 5A, Ogna type; EPIDERMOLYSIS BULLOSA SIMPLEX 5A, OGNA TYPE. Identifiers: Orphanet 79401, MedGen C0432317, MONDO:0007555, OMIM 131950.
Epidermolysis bullosa simplex with nail dystrophy (EBS5D). Identifiers: MedGen C4225309, MONDO:0014661, OMIM 616487.
Epidermolysis bullosa simplex 5C, with pyloric atresia (EBS5C). Also called: PLEC-Related Epidermolysis Bullosa with Pyloric Atresia; Epidermolysis bullosa simplex with pyloric atresia; PLEC1-Related Epidermolysis Bullosa with Pyloric Atresia. Identifiers: Orphanet 158684, MedGen C2677349, MONDO:0012807, OMIM 612138.
Epidermolysis bullosa simplex 5B, with muscular dystrophy (EBS5B). Also called: EPIDERMOLYSIS BULLOSA SIMPLEX AND LIMB-GIRDLE MUSCULAR DYSTROPHY; Epidermolysis bullosa simplex with muscular dystrophy. Identifiers: Orphanet 257, MedGen C2931072, MONDO:0009181, OMIM 226670.

Allele frequency attached by ClinVar (database versions not stated): gnomAD 0.00007; ExAC 0.00010; TOPMed 0.00010; gnomAD exomes 0.00011.
gnomAD v4.1: 89 of 1,586,096 alleles (0.0056%); highest among the groups gnomAD compares: Admixed American, 0.031%; no homozygotes.

Submissions (5):

PreventionGenetics, part of Exact Sciences
Classification: Uncertain significance for PLEC-related condition. Last evaluated: 2026-07-15. Review status: criteria provided, single submitter. Criteria: ACMG Guidelines, 2015. Collection method: clinical testing. Allele origin: germline.
Comment: The PLEC c.3608G>A variant is predicted to result in the amino acid substitution p.Arg1203His. To our knowledge, this variant has not been reported in the literature. This variant is reported in 0.039% of alleles in individuals of Latino descent in gnomAD. At this time, the clinical significance of this variant is uncertain due to the absence of conclusive functional and genetic evidence.

Labcorp Genetics (formerly Invitae), Labcorp
Classification: Uncertain significance for Autosomal recessive limb-girdle muscular dystrophy type 2Q; Epidermolysis bullosa simplex, Ogna type; Epidermolysis bullosa simplex with nail dystrophy; Epidermolysis bullosa simplex 5C, with pyloric atresia; Epidermolysis bullosa simplex 5B, with muscular dystrophy. Last evaluated: 2024-12-12. Review status: criteria provided, single submitter. Criteria: Invitae Variant Classification Sherloc (09022015). Collection method: clinical testing. Allele origin: germline.
Comment: This sequence change replaces arginine, which is basic and polar, with histidine, which is basic and polar, at codon 1203 of the PLEC protein (p.Arg1203His). This variant is present in population databases (rs782533009, gnomAD 0.04%). This variant has not been reported in the literature in individuals affected with PLEC-related conditions. ClinVar contains an entry for this variant (Variation ID: 851190). Invitae Evidence Modeling of protein sequence and biophysical properties (such as structural, functional, and spatial information, amino acid conservation, physicochemical variation, residue mobility, and thermodynamic stability) has been performed for this missense variant. However, the output from this modeling did not meet the statistical confidence thresholds required to predict the impact of this variant on PLEC protein function. In summary, the available evidence is currently insufficient to determine the role of this variant in disease. Therefore, it has been classified as a Variant of Uncertain Significance.

Women's Health and Genetics/Laboratory Corporation of America, LabCorp
Classification: Uncertain significance. Last evaluated: 2024-05-02. Review status: criteria provided, single submitter. Criteria: LabCorp Variant Classification Summary - May 2015. Collection method: clinical testing. Allele origin: germline.
Comment: Variant summary: PLEC1 c.3608G>A (p.Arg1203His) results in a non-conservative amino acid change in the encoded protein sequence. Three of five in-silico tools predict a benign effect of the variant on protein function. The variant was absent in 235764 control chromosomes. The available data on variant occurrences in the general population are insufficient to allow any conclusion about variant significance. To our knowledge, no occurrence of c.3608G>A in individuals affected with PLEC1-Related Disorders and no experimental evidence demonstrating its impact on protein function have been reported. ClinVar contains an entry for this variant (Variation ID: 851190). Based on the evidence outlined above, the variant was classified as uncertain significance.

GeneDx
Classification: Uncertain significance. Last evaluated: 2023-08-17. Review status: criteria provided, single submitter. Criteria: GeneDx Variant Classification Process June 2021. Collection method: clinical testing. Allele origin: germline. Affected: yes.
Comment: In silico analysis supports that this missense variant has a deleterious effect on protein structure/function; Missense variant in a gene in which most reported pathogenic variants are truncating/loss-of-function; Has not been previously published as pathogenic or benign to our knowledge

Revvity Omics, Revvity
Classification: Uncertain significance. Last evaluated: 2020-02-11. Review status: criteria provided, single submitter. Criteria: ACMG Guidelines, 2015. Collection method: clinical testing. Allele origin: germline.

NM_201384.3(PLEC):c.3527G>A (p.Arg1176His)

Gene: PLEC (plectin; minus strand). Cytogenetic location: 8q24.3.
Variant type: single nucleotide variant.
Coding change: c.3527G>A on transcript NM_201384.3 (MANE Select); coding-DNA position 3527, G replaced by A.
Protein change: p.Arg1176His; replaces arginine 1176 with histidine.
Molecular consequence: missense variant.
Genome position (GRCh38, 1-based): chr8:143,927,639, C>T on the plus strand (G>A on the coding strand, the complement: PLEC is on the minus strand). VCF-style: chr8-143927639-C-T. GRCh37 (hg19) VCF-style: chr8-145001807-C-T.
Other names: c.3608G>A, p.Arg1203His (NM_000445.5); c.3485G>A, p.Arg1162His (NM_201378.4); c.3461G>A, p.Arg1154His (NM_201379.3); c.3938G>A, p.Arg1313His (NM_201380.4); c.3431G>A, p.Arg1144His (NM_201381.3); c.3527G>A, p.Arg1176His (NM_201382.4); c.3539G>A, p.Arg1180His (NM_201383.3); c.3608G>A (NM_000445.3); short protein forms R1144H, R1162H, R1154H, R1180H, R1313H, R1203H, R1176H.
Identifiers: ClinVar variation 851190 (VCV000851190.17), dbSNP rs782533009, ClinGen allele CA4927032.